The following is an entry in ClinVar:

ClinVar aggregate classification (germline): Uncertain significance (1 of 4 stars; one submission).

Allele frequency attached by ClinVar (database versions not stated): gnomAD exomes 0.00002; TOPMed 0.00003; gnomAD 0.00005; ExAC 0.00006; 1000 Genomes Project 30x 0.00016; 1000 Genomes Project 0.00020.
gnomAD v4.1: 36 of 1,612,946 alleles (0.0022%); highest among the groups gnomAD compares: South Asian, 0.0066%; no homozygotes.

Submission:

Labcorp Genetics (formerly Invitae), Labcorp
Classification: Uncertain significance. Last evaluated: 2024-05-09. Review status: criteria provided, single submitter. Criteria: Invitae Variant Classification Sherloc (09022015). Collection method: clinical testing. Allele origin: germline.
Comment: This sequence change replaces arginine, which is basic and polar, with glutamine, which is neutral and polar, at codon 331 of the MYO3A protein (p.Arg331Gln). This variant is present in population databases (rs564946468, gnomAD 0.02%). This variant has not been reported in the literature in individuals affected with MYO3A-related conditions. Advanced modeling of protein sequence and biophysical properties (such as structural, functional, and spatial information, amino acid conservation, physicochemical variation, residue mobility, and thermodynamic stability) performed at Invitae indicates that this missense variant is not expected to disrupt MYO3A protein function with a negative predictive value of 80%. In summary, the available evidence is currently insufficient to determine the role of this variant in disease. Therefore, it has been classified as a Variant of Uncertain Significance.

NM_017433.5(MYO3A):c.992G>A (p.Arg331Gln)

Gene: MYO3A (myosin IIIA; plus strand). Cytogenetic location: 10p12.1.
Variant type: single nucleotide variant.
Coding change: c.992G>A on transcript NM_017433.5 (MANE Select); coding-DNA position 992, G replaced by A.
Protein change: p.Arg331Gln; replaces arginine 331 with glutamine.
Molecular consequence: missense variant.
Genome position (GRCh38, 1-based): chr10:26,067,013, G>A. VCF-style: chr10-26067013-G-A. GRCh37 (hg19) VCF-style: chr10-26355942-G-A.
Other names: short protein forms R331Q.
Identifiers: ClinVar variation 2909553 (VCV002909553.3), dbSNP rs564946468, ClinGen allele CA5444522.